The following is an entry in ClinVar:

ClinVar aggregate classification (germline): Uncertain significance (1 of 4 stars; one submission).

Conditions:
Wilson disease (WND). Also called: Wilson's disease. Identifiers: Orphanet 905, MedGen C0019202, MONDO:0010200, OMIM 277900. Disease mechanism: loss of function.

Submission:

Labcorp Genetics (formerly Invitae), Labcorp
Classification: Uncertain significance for Wilson disease. Last evaluated: 2025-03-25. Review status: criteria provided, single submitter. Criteria: Invitae Variant Classification Sherloc (09022015). Collection method: clinical testing. Allele origin: germline.
Comment: This sequence change replaces glutamine, which is neutral and polar, with proline, which is neutral and non-polar, at codon 110 of the ATP7B protein (p.Gln110Pro). This variant is not present in population databases (gnomAD no frequency). This variant has not been reported in the literature in individuals affected with ATP7B-related conditions. Invitae Evidence Modeling of protein sequence and biophysical properties (such as structural, functional, and spatial information, amino acid conservation, physicochemical variation, residue mobility, and thermodynamic stability) indicates that this missense variant is not expected to disrupt ATP7B protein function with a negative predictive value of 95%. In summary, the available evidence is currently insufficient to determine the role of this variant in disease. Therefore, it has been classified as a Variant of Uncertain Significance.

NM_000053.4(ATP7B):c.329A>C (p.Gln110Pro)

Gene: ATP7B (ATPase copper transporting beta; minus strand). Cytogenetic location: 13q14.3.
Variant type: single nucleotide variant.
Coding change: c.329A>C on transcript NM_000053.4 (MANE Select); coding-DNA position 329, A replaced by C.
Protein change: p.Gln110Pro; replaces glutamine 110 with proline.
Molecular consequence: missense variant.
Genome position (GRCh38, 1-based): chr13:51,974,891, T>G on the plus strand (A>C on the coding strand, the complement: ATP7B is on the minus strand). VCF-style: chr13-51974891-T-G. GRCh37 (hg19) VCF-style: chr13-52549027-T-G.
Other names: c.329A>C, p.Gln110Pro (NM_001406528.1, NM_001406531.1, NM_001406537.1 and 30 more transcripts); c.233A>C, p.Gln78Pro (NM_001406530.1, NM_001406536.1, NM_001406539.1 and 4 more transcripts); short protein forms Q110P, Q78P.
Identifiers: ClinVar variation 4802374 (VCV004802374.1).